The following is an entry in ClinVar:

ClinVar aggregate classification (germline): Pathogenic (1 of 4 stars; one submission).

Conditions:
Autosomal recessive distal spinal muscular atrophy 1. Also called: SEVERE INFANTILE AXONAL NEUROPATHY WITH RESPIRATORY FAILURE; SPINAL MUSCULAR ATROPHY, DIAPHRAGMATIC; Spinal muscular atrophy with respiratory distress 1; HMN VI; NEURONOPATHY, SEVERE INFANTILE AXONAL, WITH RESPIRATORY FAILURE; NEURONOPATHY, DISTAL HEREDITARY MOTOR, HARDING TYPE VI. Identifiers: Orphanet 98920, MedGen C1858517, MONDO:0011436, OMIM 604320.
Charcot-Marie-Tooth disease axonal type 2S. Also called: CHARCOT-MARIE-TOOTH NEUROPATHY, TYPE 2S; CHARCOT-MARIE-TOOTH DISEASE, AXONAL, AUTOSOMAL RECESSIVE, TYPE 2S. Identifiers: Orphanet 443073, MedGen C4015349, MONDO:0014511, OMIM 616155.

Submission:

Labcorp Genetics (formerly Invitae), Labcorp
Classification: Pathogenic for Autosomal recessive distal spinal muscular atrophy 1; Charcot-Marie-Tooth disease axonal type 2S. Last evaluated: 2023-10-09. Review status: criteria provided, single submitter. Criteria: Invitae Variant Classification Sherloc (09022015). Collection method: clinical testing. Allele origin: germline.
Comment: This sequence change creates a premature translational stop signal (p.Val409Profs*23) in the IGHMBP2 gene. It is expected to result in an absent or disrupted protein product. Loss-of-function variants in IGHMBP2 are known to be pathogenic (PMID: 14681881, 25439726, 25568292). This variant is not present in population databases (gnomAD no frequency). This variant has not been reported in the literature in individuals affected with IGHMBP2-related conditions. For these reasons, this variant has been classified as Pathogenic.

Literature cited by the submitters: PubMed 14681881; PubMed 25439726; PubMed 25568292.

NM_002180.3(IGHMBP2):c.1214_1223dup (p.Val409fs)

Gene: IGHMBP2 (immunoglobulin mu DNA binding protein 2; plus strand). Cytogenetic location: 11q13.3.
Variant type: Duplication.
Coding change: c.1214_1223dup on transcript NM_002180.3 (MANE Select); coding-DNA positions 1214 to 1223, 10 bases duplicated (CCCCCACCAC; older notation c.1214_1223dupCCCCCACCAC).
Protein change: p.Val409fs; shifts the reading frame from valine 409.
Molecular consequence: frameshift variant.
Genome position (GRCh38, 1-based): chr11:68,929,336-68,929,345, CCCCCACCAC duplicated; duplicating any 10 consecutive bases within chr11:68,929,335-68,929,345 gives the same sequence; the c. name uses the placement nearest the transcript's 3' end. VCF-style (leftmost placement, unchanged base first): chr11-68929334-G-GCCCCCCACCA. GRCh37 (hg19) VCF-style: chr11-68696802-G-GCCCCCCACCA.
Other names: short protein forms V409fs.
Identifiers: ClinVar variation 2952730 (VCV002952730.3), dbSNP rs2496034612, ClinGen allele CA2740093115.